The following is an entry in ClinVar:

NM_000222.3(KIT):c.1901G>A (p.Arg634Gln)

Gene: KIT (KIT proto-oncogene, receptor tyrosine kinase; plus strand). Cytogenetic location: 4q12.
Variant type: single nucleotide variant.
Coding change: c.1901G>A on transcript NM_000222.3 (MANE Select); coding-DNA position 1901, G replaced by A.
Protein change: p.Arg634Gln; replaces arginine 634 with glutamine.
Molecular consequence: missense variant.
Genome position (GRCh38, 1-based): chr4:54,728,032, G>A. VCF-style: chr4-54728032-G-A. GRCh37 (hg19) VCF-style: chr4-55594198-G-A.
Other names: c.1889G>A, p.Arg630Gln (NM_001093772.2, NM_001385286.1); c.1904G>A, p.Arg635Gln (NM_001385284.1, NM_001385290.1); c.1901G>A, p.Arg634Gln (NM_001385285.1); c.1892G>A, p.Arg631Gln (NM_001385288.1, NM_001385292.1); short protein forms R634Q, R630Q, R631Q, R635Q.
Identifiers: ClinVar variation 458898 (VCV000458898.14), dbSNP rs766264502, ClinGen allele CA2923612.

ClinVar aggregate classification (germline): Uncertain significance. Review status: criteria provided, multiple submitters, no conflicts (2 of 4 stars). 3 submissions from 3 submitters: Uncertain significance (3). Last evaluated 2025-09-01.

Conditions:
Gastrointestinal stromal tumor. Also called: Gastrointestinal stroma tumor; Gastrointestinal stromal tumor, somatic. Identifiers: Orphanet 44890, MedGen C0238198, MeSH D046152, MONDO:0011719, OMIM 606764, HP:0100723.
Hereditary cancer-predisposing syndrome. Also called: Tumor predisposition; Hereditary neoplastic syndrome; Neoplastic Syndromes, Hereditary; Hereditary Cancer Syndrome. Identifiers: Orphanet 140162, MedGen C0027672, MeSH D009386, MONDO:0015356.

Allele frequency attached by ClinVar (database versions not stated): TOPMed 0.00001; ExAC 0.00001; gnomAD 0.00001; gnomAD exomes 0.00001.
gnomAD v4.1: 10 of 1,613,916 alleles (0.00062%); highest among the groups gnomAD compares: Middle Eastern, 0.016%; no homozygotes.

Submissions (3):

Ambry Genetics
Classification: Uncertain significance for Hereditary cancer-predisposing syndrome. Last evaluated: 2025-09-01. Review status: criteria provided, single submitter. Criteria: Ambry Variant Classification Scheme 2023. Collection method: clinical testing. Allele origin: germline.
Comment: The p.R634Q variant (also known as c.1901G>A), located in coding exon 13 of the KIT gene, results from a G to A substitution at nucleotide position 1901. The arginine at codon 634 is replaced by glutamine, an amino acid with highly similar properties. This amino acid position is not well conserved in available vertebrate species. In addition, the in silico prediction for this alteration is inconclusive. Since supporting evidence is limited at this time, the clinical significance of this alteration remains unclear.

Labcorp Genetics (formerly Invitae), Labcorp
Classification: Uncertain significance for Gastrointestinal stromal tumor. Last evaluated: 2025-08-11. Review status: criteria provided, single submitter. Criteria: Invitae Variant Classification Sherloc (09022015). Collection method: clinical testing. Allele origin: germline.
Comment: This sequence change replaces arginine, which is basic and polar, with glutamine, which is neutral and polar, at codon 634 of the KIT protein (p.Arg634Gln). This variant is present in population databases (rs766264502, gnomAD 0.007%). This variant has not been reported in the literature in individuals affected with KIT-related conditions. ClinVar contains an entry for this variant (Variation ID: 458898). An algorithm developed to predict the effect of missense changes on protein structure and function (PolyPhen-2) suggests that this variant is likely to be disruptive. In summary, the available evidence is currently insufficient to determine the role of this variant in disease. Therefore, it has been classified as a Variant of Uncertain Significance.

Baylor Genetics
Classification: Uncertain significance for Gastrointestinal stromal tumor. Last evaluated: 2023-05-28. Review status: criteria provided, single submitter. Criteria: ACMG Guidelines, 2015. Collection method: clinical testing. Allele origin: unknown.